The following is an entry in ClinVar:

NM_005228.5(EGFR):c.368C>T (p.Ser123Phe)

Gene: EGFR (epidermal growth factor receptor; plus strand). Cytogenetic location: 7p11.2.
Variant type: single nucleotide variant.
Coding change: c.368C>T on transcript NM_005228.5 (MANE Select); coding-DNA position 368, C replaced by T.
Protein change: p.Ser123Phe; replaces serine 123 with phenylalanine.
Molecular consequence: missense variant. On other transcripts: intron variant (1).
Genome position (GRCh38, 1-based): chr7:55,143,432, C>T. VCF-style: chr7-55143432-C-T. GRCh37 (hg19) VCF-style: chr7-55211125-C-T.
Other names: c.368C>T (NM_005228.3); c.368C>T, p.Ser123Phe (NM_001346897.2, NM_001346898.2, NM_001346899.2 and 3 more transcripts); c.209C>T, p.Ser70Phe (NM_001346900.2); c.89-12398C>T (NM_001346941.2); short protein forms S70F, S123F.
Identifiers: ClinVar variation 1450891 (VCV001450891.9), dbSNP rs1229095978, ClinGen allele CA367575894.

ClinVar aggregate classification (germline): Uncertain significance. Review status: criteria provided, multiple submitters, no conflicts (2 of 4 stars). 2 submissions from 2 submitters: Uncertain significance (2). Last evaluated 2025-03-04.

Conditions:
EGFR-related lung cancer (EGFR). Identifiers: MedGen CN130014.
Hereditary cancer-predisposing syndrome. Also called: Hereditary Cancer Syndrome; Hereditary neoplastic syndrome; Neoplastic Syndromes, Hereditary; Tumor predisposition. Identifiers: Orphanet 140162, MedGen C0027672, MeSH D009386, MONDO:0015356.

Allele frequency attached by ClinVar (database versions not stated): gnomAD exomes below 0.00001; gnomAD 0.00001; TOPMed 0.00001.
gnomAD v4.1: 7 of 1,614,104 alleles (0.00043%); highest among the groups gnomAD compares: Non-Finnish European, 0.00059%; no homozygotes.

Submissions (2):

Ambry Genetics
Classification: Uncertain significance for Hereditary cancer-predisposing syndrome. Last evaluated: 2025-03-04. Review status: criteria provided, single submitter. Criteria: Ambry Variant Classification Scheme 2023. Collection method: clinical testing. Allele origin: germline.
Comment: The p.S123F variant (also known as c.368C>T), located in coding exon 3 of the EGFR gene, results from a C to T substitution at nucleotide position 368. The serine at codon 123 is replaced by phenylalanine, an amino acid with highly dissimilar properties. This amino acid position is not well conserved in available vertebrate species. In addition, this alteration is predicted to be deleterious by in silico analysis. Based on the available evidence, the clinical significance of this variant remains unclear.

Labcorp Genetics (formerly Invitae), Labcorp
Classification: Uncertain significance for EGFR-related lung cancer. Last evaluated: 2022-01-28. Review status: criteria provided, single submitter. Criteria: Invitae Variant Classification Sherloc (09022015). Collection method: clinical testing. Allele origin: germline.
Comment: In summary, the available evidence is currently insufficient to determine the role of this variant in disease. Therefore, it has been classified as a Variant of Uncertain Significance. Algorithms developed to predict the effect of missense changes on protein structure and function are either unavailable or do not agree on the potential impact of this missense change (SIFT: "Tolerated"; PolyPhen-2: "Probably Damaging"; Align-GVGD: "Class C0"). This variant has not been reported in the literature in individuals affected with EGFR-related conditions. This variant is not present in population databases (gnomAD no frequency). This sequence change replaces serine, which is neutral and polar, with phenylalanine, which is neutral and non-polar, at codon 123 of the EGFR protein (p.Ser123Phe).